The following is an entry in ClinVar:

ClinVar aggregate classification (germline): Uncertain significance (1 of 4 stars; one submission).

Submission:

Labcorp Genetics (formerly Invitae), Labcorp
Classification: Uncertain significance. Last evaluated: 2023-07-17. Review status: criteria provided, single submitter. Criteria: Invitae Variant Classification Sherloc (09022015). Collection method: clinical testing. Allele origin: unknown.
Comment: In summary, the available evidence is currently insufficient to determine the role of this variant in disease. Therefore, it has been classified as a Variant of Uncertain Significance. Experimental studies and prediction algorithms are not available or were not evaluated, and the functional significance of this variant is currently unknown. This variant has not been reported in the literature in individuals affected with DOCK8-related conditions. This variant results in a copy number gain of the genomic region encompassing exon(s) 1-34 of the DOCK8 gene. This region includes the initiator codon of the gene. This copy number gain extends beyond the assayed region for this gene and therefore may encompass additional genes. As the precise location of this event is unknown, it may be in tandem or it may be located elsewhere in the genome.

NC_000009.11:g.(?_214977)_(427001_?)dup

Genes: DOCK8 (dedicator of cytokinesis 8; plus strand), DOCK8-AS1 (DOCK8 antisense RNA 1; minus strand). Cytogenetic location: 9p24.3.
Variant type: Duplication.
Identifiers: ClinVar variation 3245214 (VCV003245214.1).